The following is an entry in ClinVar:

NM_000051.4(ATM):c.1640C>G (p.Thr547Ser)

Gene: ATM (ATM serine/threonine kinase; plus strand). Cytogenetic location: 11q22.3.
Variant type: single nucleotide variant.
Coding change: c.1640C>G on transcript NM_000051.4 (MANE Select); coding-DNA position 1640, C replaced by G.
Protein change: p.Thr547Ser; replaces threonine 547 with serine.
Molecular consequence: missense variant.
Genome position (GRCh38, 1-based): chr11:108,251,869, C>G. VCF-style: chr11-108251869-C-G. GRCh37 (hg19) VCF-style: chr11-108122596-C-G.
Other names: c.1640C>G, p.Thr547Ser (NM_001351834.2); short protein forms T547S.
Identifiers: ClinVar variation 4170400 (VCV004170400.1).

ClinVar aggregate classification (germline): Uncertain significance (1 of 4 stars; one submission).

Conditions:
Hereditary cancer-predisposing syndrome. Also called: Neoplastic Syndromes, Hereditary; Tumor predisposition; Hereditary Cancer Syndrome; Hereditary neoplastic syndrome. Identifiers: Orphanet 140162, MedGen C0027672, MeSH D009386, MONDO:0015356.

Submission:

Ambry Genetics
Classification: Uncertain significance for Hereditary cancer-predisposing syndrome. Last evaluated: 2025-09-01. Review status: criteria provided, single submitter. Criteria: Ambry Variant Classification Scheme 2023. Collection method: clinical testing. Allele origin: germline.
Comment: The p.T547S variant (also known as c.1640C>G), located in coding exon 10 of the ATM gene, results from a C to G substitution at nucleotide position 1640. The threonine at codon 547 is replaced by serine, an amino acid with similar properties. This amino acid position is conserved. In addition, this alteration is predicted to be tolerated by in silico analysis. Based on the available evidence, the clinical significance of this variant remains unclear.